The following is an entry in ClinVar:

NM_052867.4(NALCN):c.3592G>A (p.Gly1198Ser)

Gene: NALCN (sodium leak channel, non-selective; minus strand). Cytogenetic location: 13q32.3.
Variant type: single nucleotide variant.
Coding change: c.3592G>A on transcript NM_052867.4 (MANE Select); coding-DNA position 3592, G replaced by A.
Protein change: p.Gly1198Ser; replaces glycine 1198 with serine.
Molecular consequence: missense variant.
Genome position (GRCh38, 1-based): chr13:101,083,190, C>T on the plus strand (G>A on the coding strand, the complement: NALCN is on the minus strand). VCF-style: chr13-101083190-C-T. GRCh37 (hg19) VCF-style: chr13-101735541-C-T.
Other names: c.3679G>A, p.Gly1227Ser (NM_001350748.2); c.3592G>A, p.Gly1198Ser (NM_001350749.2); c.3505G>A, p.Gly1169Ser (NM_001350750.2, NM_001350751.2); short protein forms G1169S, G1198S, G1227S.
Identifiers: ClinVar variation 4686952 (VCV004686952.1).
Genomic context (GRCh38, chr13:101,083,190, plus strand): 5'-ATGCGATTGTCCTCTTAAAAAATGGATGCTGGGTTATGTCATACATTTTAGCTCTAAAAC[C>T]ATCATTATCTAGAAAAGAAAGGTTTGGGCAAGGGCATTTTAGACACAGGTCACATTTACT-3'
Protein context (NP_443099.1, residues 1188-1208): LHLPPRPDND[Gly1198Ser]FRAKMYDITQ

ClinVar aggregate classification (germline): Uncertain significance (1 of 4 stars; one submission).

Submission:

GeneDx
Classification: Uncertain significance. Last evaluated: 2025-07-20. Review status: criteria provided, single submitter. Criteria: GeneDx Variant Classification Process June 2021. Collection method: clinical testing. Allele origin: germline. Affected: yes.
Comment: Not observed at significant frequency in large population cohorts (gnomAD); In silico analysis suggests that this missense variant does not alter protein structure/function; Has not been previously published as pathogenic or benign to our knowledge